The following is an entry in ClinVar:

NM_006922.4(SCN3A):c.3682A>G (p.Ile1228Val)

Gene: SCN3A (sodium voltage-gated channel alpha subunit 3; minus strand). Cytogenetic location: 2q24.3.
Variant type: single nucleotide variant.
Coding change: c.3682A>G on transcript NM_006922.4 (MANE Select); coding-DNA position 3682, A replaced by G.
Protein change: p.Ile1228Val; replaces isoleucine 1228 with valine.
Molecular consequence: missense variant.
Genome position (GRCh38, 1-based): chr2:165,113,046, T>C on the plus strand (A>G on the coding strand, the complement: SCN3A is on the minus strand). VCF-style: chr2-165113046-T-C. GRCh37 (hg19) VCF-style: chr2-165969556-T-C.
Other names: c.3535A>G, p.Ile1179Val (NM_001081676.2, NM_001081677.2); short protein forms I1179V, I1228V.
Identifiers: ClinVar variation 944297 (VCV000944297.9), dbSNP rs769710212, ClinGen allele CA1938732.
Genomic context (GRCh38, chr2:165,113,046, plus strand): 5'-TAAAGACTTTGTCAGCATATTCTAGCATGGTTTTGATAGTCTTTCGCTGTTCAATGTATA[T>C]ATCTTCAAAGGCCTATGAATCAAAAATATTTTATTTTACTTAAATGGCTTGCTTCTTCTA-3'
Protein context (NP_008853.3, residues 1218-1238): LSSGALAFED[Ile1228Val]YIEQRKTIKT

ClinVar aggregate classification (germline): Conflicting classifications of pathogenicity. Review status: criteria provided, conflicting classifications (1 of 4 stars). 3 submissions from 3 submitters: Uncertain significance (1); Likely benign (2). Last evaluated 2025-08-31.

Conditions:
Epilepsy, familial focal, with variable foci 4 (FFEVF4). Identifiers: MedGen C4693694, MONDO:0054776, OMIM 617935.
Inborn genetic diseases. Identifiers: MedGen C0950123, MeSH D030342.

Allele frequency attached by ClinVar (database versions not stated): ExAC 0.00002; gnomAD 0.00002 and 0.00003; TOPMed 0.00003; gnomAD exomes 0.00004 and 0.00016.
gnomAD v4.1: 227 of 1,611,732 alleles (0.014%); highest among the groups gnomAD compares: Non-Finnish European, 0.019%; no homozygotes.

Submissions (3):

Labcorp Genetics (formerly Invitae), Labcorp
Classification: Likely benign. Last evaluated: 2025-08-31. Review status: criteria provided, single submitter. Criteria: Invitae Variant Classification Sherloc (09022015). Collection method: clinical testing. Allele origin: germline.

Ambry Genetics
Classification: Likely benign for Inborn genetic diseases. Last evaluated: 2021-07-02. Review status: criteria provided, single submitter. Criteria: Ambry Variant Classification Scheme 2023. Collection method: clinical testing. Allele origin: germline.

Baylor Genetics
Classification: Uncertain significance for Epilepsy, familial focal, with variable foci 4. Last evaluated: 2018-07-20. Review status: criteria provided, single submitter. Criteria: ACMG Guidelines, 2015. Collection method: clinical testing. Allele origin: maternal. Affected: yes.
Comment: This variant was determined to be of uncertain significance according to ACMG Guidelines, 2015 [PMID:25741868].